The following is an entry in ClinVar:

NM_000443.4(ABCB4):c.3215G>T (p.Gly1072Val)

Gene: ABCB4 (ATP binding cassette subfamily B member 4; minus strand). Cytogenetic location: 7q21.12.
Variant type: single nucleotide variant.
Coding change: c.3215G>T on transcript NM_000443.4 (MANE Select); coding-DNA position 3215, G replaced by T.
Protein change: p.Gly1072Val; replaces glycine 1072 with valine.
Molecular consequence: missense variant.
Genome position (GRCh38, 1-based): chr7:87,408,101, C>A on the plus strand (G>T on the coding strand, the complement: ABCB4 is on the minus strand). VCF-style: chr7-87408101-C-A. GRCh37 (hg19) VCF-style: chr7-87037417-C-A.
Other names: c.3215G>T (NM_000443.3); c.3215G>T, p.Gly1072Val (NM_018849.3); c.3074G>T, p.Gly1025Val (NM_018850.3); short protein forms G1025V, G1072V.
Identifiers: ClinVar variation 2015936 (VCV002015936.5), dbSNP rs2546751332, ClinGen allele CA368059103.

ClinVar aggregate classification (germline): Uncertain significance. Review status: criteria provided, multiple submitters, no conflicts (2 of 4 stars). 2 submissions from 2 submitters: Uncertain significance (2). Last evaluated 2026-04-09.

Conditions:
ABCB4-related disorder. Also called: ABCB4-related disorders; ABCB4-related condition.

Submissions (2):

PreventionGenetics, part of Exact Sciences
Classification: Uncertain significance for ABCB4-related condition. Last evaluated: 2026-04-09. Review status: criteria provided, single submitter. Criteria: ACMG Guidelines, 2015. Collection method: clinical testing. Allele origin: germline.
Comment: The ABCB4 c.3215G>T variant is predicted to result in the amino acid substitution p.Gly1072Val. To our knowledge, this variant has not been reported in the literature or in a large population database (gnomAD), indicating this variant is rare. Of note, a different variant impacting the same amino acid (p.Gly1072Cys) has been reported in an individual with oral contraceptive-induced cholestasis and cholestasis of pregnancy (de Vries et al. 2020. PubMed ID: 32893960). At this time, the clinical significance of the c.3215G>T (p.Gly1072Val) variant is uncertain due to the absence of conclusive functional and genetic evidence.

Labcorp Genetics (formerly Invitae), Labcorp
Classification: Uncertain significance. Last evaluated: 2022-07-11. Review status: criteria provided, single submitter. Criteria: Invitae Variant Classification Sherloc (09022015). Collection method: clinical testing. Allele origin: germline.
Comment: Advanced modeling of protein sequence and biophysical properties (such as structural, functional, and spatial information, amino acid conservation, physicochemical variation, residue mobility, and thermodynamic stability) performed at Invitae indicates that this missense variant is expected to disrupt ABCB4 protein function. This variant has not been reported in the literature in individuals affected with ABCB4-related conditions. This variant is not present in population databases (gnomAD no frequency). This sequence change replaces glycine, which is neutral and non-polar, with valine, which is neutral and non-polar, at codon 1072 of the ABCB4 protein (p.Gly1072Val). In summary, the available evidence is currently insufficient to determine the role of this variant in disease. Therefore, it has been classified as a Variant of Uncertain Significance.